The following is an entry in ClinVar:

ClinVar aggregate classification (germline): Uncertain significance. Review status: criteria provided, multiple submitters, no conflicts (2 of 4 stars). 5 submissions from 5 submitters: Uncertain significance (5). Last evaluated 2024-04-17.

Conditions:
Lethal congenital glycogen storage disease of heart. Also called: PHOSPHORYLASE KINASE DEFICIENCY OF HEART; GLYCOGEN STORAGE DISEASE OF HEART. Identifiers: Orphanet 439854, MedGen C1849813, MONDO:0009867, OMIM 261740.
Hypertrophic cardiomyopathy 6. Identifiers: MedGen C1833236, MONDO:0010946, OMIM 600858.
Cardiomyopathy (CMYO). Also called: Cardiomyopathies. Identifiers: Orphanet 167848, MedGen C0878544, MONDO:0004994, HP:0001638. Inheritance: Various modes of inheritance.

Allele frequency attached by ClinVar (database versions not stated): gnomAD 0.00001; TOPMed 0.00001; ESP Exome Variant Server 0.00008.
gnomAD v4.1: 6 of 1,612,828 alleles (0.00037%); highest among the groups gnomAD compares: African/African-American, 0.0013%; no homozygotes.

Submissions (5):

Color Diagnostics, LLC DBA Color Health
Classification: Uncertain significance for Cardiomyopathy. Last evaluated: 2024-04-17. Review status: criteria provided, single submitter. Criteria: ACMG Guidelines, 2015. Collection method: clinical testing. Allele origin: germline.
Comment: This missense variant replaces proline with leucine at codon 46 of the PRKAG2 protein. Computational prediction is inconclusive regarding the impact of this variant on protein structure and function. To our knowledge, functional studies have not been reported for this variant. This variant has not been reported in individuals affected with PRKAG2-related disorders in the literature. This variant has not been identified in the general population by the Genome Aggregation Database (gnomAD). The available evidence is insufficient to determine the role of this variant in disease conclusively. Therefore, this variant is classified as a Variant of Uncertain Significance.

Labcorp Genetics (formerly Invitae), Labcorp
Classification: Uncertain significance for Lethal congenital glycogen storage disease of heart. Last evaluated: 2022-03-13. Review status: criteria provided, single submitter. Criteria: Invitae Variant Classification Sherloc (09022015). Collection method: clinical testing. Allele origin: germline.
Comment: In summary, the available evidence is currently insufficient to determine the role of this variant in disease. Therefore, it has been classified as a Variant of Uncertain Significance. Algorithms developed to predict the effect of missense changes on protein structure and function (SIFT, PolyPhen-2, Align-GVGD) all suggest that this variant is likely to be tolerated. ClinVar contains an entry for this variant (Variation ID: 229171). This variant has not been reported in the literature in individuals affected with PRKAG2-related conditions. This variant is not present in population databases (gnomAD no frequency). This sequence change replaces proline, which is neutral and non-polar, with leucine, which is neutral and non-polar, at codon 46 of the PRKAG2 protein (p.Pro46Leu).

Women's Health and Genetics/Laboratory Corporation of America, LabCorp
Classification: Uncertain significance. Last evaluated: 2021-03-15. Review status: criteria provided, single submitter. Criteria: LabCorp Variant Classification Summary - May 2015. Collection method: clinical testing. Allele origin: germline.
Comment: Variant summary: PRKAG2 c.137C>T (p.Pro46Leu) results in a non-conservative amino acid change in the encoded protein sequence. Five of five in-silico tools predict a damaging effect of the variant on protein function. The variant was absent in 248502 control chromosomes (gnomAD v2.1, exomes dataset). The available data on variant occurrences in the general population are insufficient to allow any conclusion about variant significance. To our knowledge, no occurrence of c.137C>T in individuals affected with Hypertrophic Cardiomyopathy with Wolff-Parkinson-White and no experimental evidence demonstrating its impact on protein function have been reported. One clinical diagnostic laboratory has submitted clinical-significance assessments for this variant to ClinVar after 2014 without evidence for independent evaluation, and classified the variant as uncertain significance. Based on the evidence outlined above, the variant was classified as uncertain significance.

Laboratory for Molecular Medicine, Mass General Brigham Personalized Medicine
Classification: Uncertain significance. Last evaluated: 2015-11-24. Review status: criteria provided, single submitter. Criteria: LMM Criteria. Collection method: clinical testing. Allele origin: germline. Observed: 1 variant allele.
Comment: The p.Pro46Leu variant in PRKAG2 has not been previously reported in individuals with cardiomyopathy, but has been identified in 1/4406 African American chromos omes by the NHLBI Exome Sequencing Project (d bSNP rs373477232). Computational prediction tools and conservation analysis do n ot provide strong support for or against an impact to the protein. In summary, t he clinical significance of the p.Pro46Leu variant is uncertain.

Neuberg Centre For Genomic Medicine, NCGM
Classification: Uncertain significance for Hypertrophic cardiomyopathy 6. Review status: criteria provided, single submitter. Criteria: ACMG Guidelines, 2015. Collection method: clinical testing. Allele origin: germline. Inheritance: Autosomal dominant inheritance. Affected: yes.

NM_016203.4(PRKAG2):c.137C>T (p.Pro46Leu)

Gene: PRKAG2 (protein kinase AMP-activated non-catalytic subunit gamma 2; minus strand). Cytogenetic location: 7q36.1.
Variant type: single nucleotide variant.
Coding change: c.137C>T on transcript NM_016203.4 (MANE Select); coding-DNA position 137, C replaced by T.
Protein change: p.Pro46Leu; replaces proline 46 with leucine.
Molecular consequence: missense variant.
Genome position (GRCh38, 1-based): chr7:151,786,519, G>A on the plus strand (C>T on the coding strand, the complement: PRKAG2 is on the minus strand). VCF-style: chr7-151786519-G-A. GRCh37 (hg19) VCF-style: chr7-151483605-G-A.
Other names: c.5C>T, p.Pro2Leu (NM_001040633.2); short protein forms P46L, P2L.
Identifiers: ClinVar variation 229171 (VCV000229171.10), dbSNP rs373477232, ClinGen allele CA10576724.